The following is an entry in ClinVar:

NM_007294.4(BRCA1):c.4333C>T (p.Pro1445Ser)

Gene: BRCA1 (BRCA1 DNA repair associated; minus strand). Cytogenetic location: 17q21.31.
Variant type: single nucleotide variant.
Coding change: c.4333C>T on transcript NM_007294.4 (MANE Select); coding-DNA position 4333, C replaced by T.
Protein change: p.Pro1445Ser; replaces proline 1445 with serine.
Molecular consequence: missense variant. On other transcripts: non-coding transcript variant (1).
Genome position (GRCh38, 1-based): chr17:43,082,428, G>A on the plus strand (C>T on the coding strand, the complement: BRCA1 is on the minus strand). VCF-style: chr17-43082428-G-A. GRCh37 (hg19) VCF-style: chr17-41234445-G-A.
Other names: c.901C>T, p.Pro301Ser (NM_001408436.1, NM_001408437.1, NM_001408438.1 and 8 more transcripts); c.898C>T, p.Pro300Ser (NM_001408441.1, NM_001408442.1, NM_001408443.1 and 10 more transcripts); c.889C>T, p.Pro297Ser (NM_001408451.1); c.883C>T, p.Pro295Ser (NM_001408452.1, NM_001408453.1, NM_001408454.1 and 8 more transcripts); c.880C>T, p.Pro294Ser (NM_001408462.1, NM_001408463.1, NM_001408464.1 and 5 more transcripts); c.877C>T, p.Pro293Ser (NM_001408470.1); c.1021C>T, p.Pro341Ser (NM_001408472.1, NM_001408473.1, NM_001407980.1 and 18 more transcripts); c.823C>T, p.Pro275Ser (NM_001408474.1, NM_001408476.1); and 51 more; short protein forms P1398S, P1445S, P342S, P1276S, P1333S, P1397S, P1403S, P1404S.
Identifiers: ClinVar variation 1005598 (VCV001005598.11), dbSNP rs876660684, ClinGen allele CA10593057.

ClinVar aggregate classification (germline): Uncertain significance. Review status: criteria provided, multiple submitters, no conflicts (2 of 4 stars). 2 submissions from 2 submitters: Uncertain significance (2). Last evaluated 2023-12-28.

Conditions:
Breast-ovarian cancer, familial, susceptibility to, 1 (BROVCA1). Also called: BRCA1 Hereditary Breast and Ovarian Cancer; OVARIAN CANCER, SUSCEPTIBILITY TO. Identifiers: Orphanet 145, MedGen C2676676, MONDO:0011450, OMIM 604370. Disease mechanism: loss of function.
Hereditary breast ovarian cancer syndrome. Also called: Hereditary breast and ovarian cancer syndrome; Hereditary breast and ovarian cancer syndrome (HBOC); Breast and ovarian cancer; Hereditary breast and ovarian cancer; Hereditary breast and/or ovarian cancer syndrome; BRCA1- and BRCA2-Associated Hereditary Breast and Ovarian Cancer. Identifiers: Orphanet 145, MedGen C0677776, MeSH D061325, MONDO:0003582. Disease mechanism: loss of function.

Submissions (2):

Baylor Genetics
Classification: Uncertain significance for Breast-ovarian cancer, familial, susceptibility to, 1. Last evaluated: 2023-12-28. Review status: criteria provided, single submitter. Criteria: ACMG Guidelines, 2015. Collection method: clinical testing. Allele origin: unknown.

Labcorp Genetics (formerly Invitae), Labcorp
Classification: Uncertain significance for Hereditary breast ovarian cancer syndrome. Last evaluated: 2020-04-12. Review status: criteria provided, single submitter. Criteria: Invitae Variant Classification Sherloc (09022015). Collection method: clinical testing. Allele origin: germline.
Comment: In summary, the available evidence is currently insufficient to determine the role of this variant in disease. Therefore, it has been classified as a Variant of Uncertain Significance. Algorithms developed to predict the effect of missense changes on protein structure and function (SIFT, PolyPhen-2, Align-GVGD) all suggest that this variant is likely to be tolerated, but these predictions have not been confirmed by published functional studies and their clinical significance is uncertain. This variant has not been reported in the literature in individuals with BRCA1-related conditions. This variant is not present in population databases (ExAC no frequency). This sequence change replaces proline with serine at codon 1445 of the BRCA1 protein (p.Pro1445Ser). The proline residue is weakly conserved and there is a moderate physicochemical difference between proline and serine.